The following is an entry in ClinVar:

ClinVar aggregate classification (germline): Uncertain significance (1 of 4 stars; one submission).

Conditions:
Renal cell carcinoma. Identifiers: Orphanet 217071, MedGen C0007134, MeSH D002292, MONDO:0005086, HP:0005584.

Submission:

Labcorp Genetics (formerly Invitae), Labcorp
Classification: Uncertain significance for Renal cell carcinoma. Last evaluated: 2025-12-22. Review status: criteria provided, single submitter. Criteria: Invitae Variant Classification Sherloc (09022015). Collection method: clinical testing. Allele origin: germline.
Comment: This sequence change replaces valine, which is neutral and non-polar, with leucine, which is neutral and non-polar, at codon 313 of the MET protein (p.Val313Leu). This variant is not present in population databases (gnomAD no frequency). This variant has not been reported in the literature in individuals affected with MET-related conditions. Invitae Evidence Modeling of protein sequence and biophysical properties (such as structural, functional, and spatial information, amino acid conservation, physicochemical variation, residue mobility, and thermodynamic stability) indicates that this missense variant is not expected to disrupt MET protein function with a negative predictive value of 80%. In summary, the available evidence is currently insufficient to determine the role of this variant in disease. Therefore, it has been classified as a Variant of Uncertain Significance.

NM_000245.4(MET):c.937G>T (p.Val313Leu)

Gene: MET (MET proto-oncogene, receptor tyrosine kinase; plus strand). Cytogenetic location: 7q31.2.
Variant type: single nucleotide variant.
Coding change: c.937G>T on transcript NM_000245.4 (MANE Select); coding-DNA position 937, G replaced by T.
Protein change: p.Val313Leu; replaces valine 313 with leucine.
Molecular consequence: missense variant. On other transcripts: intron variant (1).
Genome position (GRCh38, 1-based): chr7:116,700,021, G>T. VCF-style: chr7-116700021-G-T. GRCh37 (hg19) VCF-style: chr7-116340075-G-T.
Other names: c.937G>T, p.Val313Leu (NM_001127500.3, NM_001324401.3); c.-91+27444G>T (NM_001324402.2); short protein forms V313L.
Identifiers: ClinVar variation 4741131 (VCV004741131.1).
Genomic context (GRCh38, chr7:116,700,021, plus strand): 5'-GAAATGCCTCTGGAGTGTATTCTCACAGAAAAGAGAAAAAAGAGATCCACAAAGAAGGAA[G>T]TGTTTAATATACTTCAGGCTGCGTATGTCAGCAAGCCTGGGGCCCAGCTTGCTAGACAAA-3'
Protein context (NP_000236.2, residues 303-323): KRKKRSTKKE[Val313Leu]FNILQAAYVS